The following is an entry in ClinVar:

NM_000038.6(APC):c.1742A>C (p.Lys581Thr)

Gene: APC (APC regulator of Wnt signaling pathway; plus strand). Cytogenetic location: 5q22.2.
Variant type: single nucleotide variant.
Coding change: c.1742A>C on transcript NM_000038.6 (MANE Select); coding-DNA position 1742, A replaced by C.
Protein change: p.Lys581Thr; replaces lysine 581 with threonine.
Molecular consequence: missense variant.
Genome position (GRCh38, 1-based): chr5:112,828,971, A>C. VCF-style: chr5-112828971-A-C. GRCh37 (hg19) VCF-style: chr5-112164668-A-C.
Other names: c.1742A>C, p.Lys581Thr (NM_001127510.3, NM_001354895.2); c.1688A>C, p.Lys563Thr (NM_001127511.3); c.1796A>C, p.Lys599Thr (NM_001354896.2); c.1772A>C, p.Lys591Thr (NM_001354897.2); c.1667A>C, p.Lys556Thr (NM_001354898.2); c.1658A>C, p.Lys553Thr (NM_001354899.2); c.1619A>C, p.Lys540Thr (NM_001354900.2); c.1565A>C, p.Lys522Thr (NM_001354901.2); and 5 more; short protein forms K421T, K455T, K490T, K599T, K480T, K556T, K563T, K591T.
Identifiers: ClinVar variation 945660 (VCV000945660.11), dbSNP rs1764026752, ClinGen allele CA16025121.

ClinVar aggregate classification (germline): Uncertain significance (1 of 4 stars; one submission).

Conditions:
Familial adenomatous polyposis 1 (FAP1). Also called: POLYPOSIS, ADENOMATOUS INTESTINAL; FAMILIAL ADENOMATOUS POLYPOSIS 1, ATTENUATED. Identifiers: MedGen C2713442, MONDO:0021056, OMIM 175100. Disease mechanism: loss of function.

Submission:

Labcorp Genetics (formerly Invitae), Labcorp
Classification: Uncertain significance for Familial adenomatous polyposis 1. Last evaluated: 2019-07-02. Review status: criteria provided, single submitter. Criteria: Invitae Variant Classification Sherloc (09022015). Collection method: clinical testing. Allele origin: germline.
Comment: In summary, the available evidence is currently insufficient to determine the role of this variant in disease. Therefore, it has been classified as a Variant of Uncertain Significance. This variant is not present in population databases (ExAC no frequency). This variant has not been reported in the literature in individuals with APC-related conditions. Algorithms developed to predict the effect of missense changes on protein structure and function are either unavailable or do not agree on the potential impact of this missense change (SIFT: "Deleterious"; PolyPhen-2: "Benign"; Align-GVGD: "Class C25"). Algorithms developed to predict the effect of sequence changes on RNA splicing suggest that this variant may disrupt the consensus splice site, but this prediction has not been confirmed by published transcriptional studies. This sequence change replaces lysine with threonine at codon 581 of the APC protein (p.Lys581Thr). The lysine residue is highly conserved and there is a moderate physicochemical difference between lysine and threonine.